The following is an entry in ClinVar:

ClinVar aggregate classification (germline): Likely benign (1 of 4 stars; one submission).

gnomAD v4.1: 1 of 995,546 alleles (0.0001%); highest among the groups gnomAD compares: Non-Finnish European, 0.00012%; no homozygotes.

Submission:

CeGaT Center for Human Genetics Tuebingen
Classification: Likely benign. Last evaluated: 2024-02-01. Review status: criteria provided, single submitter. Criteria: CeGaT Center For Human Genetics Tuebingen Variant Classification Criteria Version 2. Collection method: clinical testing. Allele origin: germline. Affected: yes. Observed: 1 variant allele.
Comment: RAC3: PM2:Supporting, BP4, BP7

NM_005052.3(RAC3):c.12C>T (p.Ile4=)

Gene: RAC3 (Rac family small GTPase 3; plus strand). Cytogenetic location: 17q25.3.
Variant type: single nucleotide variant.
Coding change: c.12C>T on transcript NM_005052.3 (MANE Select); coding-DNA position 12, C replaced by T.
Protein change: p.Ile4=; no amino-acid change (isoleucine 4 retained).
Molecular consequence: synonymous variant.
Genome position (GRCh38, 1-based): chr17:82,031,773, C>T. VCF-style: chr17-82031773-C-T. GRCh37 (hg19) VCF-style: chr17-79989649-C-T.
Other names: c.12C>T, p.Ile4= (NM_001316307.2).
Identifiers: ClinVar variation 3026793 (VCV003026793.22), dbSNP rs2510195079, ClinGen allele CA502321784.